The following is an entry in ClinVar:

NM_015046.7(SETX):c.6172A>C (p.Lys2058Gln)

Gene: SETX (senataxin; minus strand). Cytogenetic location: 9q34.13.
Variant type: single nucleotide variant.
Coding change: c.6172A>C on transcript NM_015046.7 (MANE Select); coding-DNA position 6172, A replaced by C.
Protein change: p.Lys2058Gln; replaces lysine 2058 with glutamine.
Molecular consequence: missense variant.
Genome position (GRCh38, 1-based): chr9:132,288,586, T>G on the plus strand (A>C on the coding strand, the complement: SETX is on the minus strand). VCF-style: chr9-132288586-T-G. GRCh37 (hg19) VCF-style: chr9-135163973-T-G.
Other names: c.6172A>C, p.Lys2058Gln (NM_001351527.2, NM_001351528.2); short protein forms K2058Q.
Identifiers: ClinVar variation 586553 (VCV000586553.6), dbSNP rs747309962, ClinGen allele CA5296817.
Genomic context (GRCh38, chr9:132,288,586, plus strand): 5'-GTATATACCACATTCAGTACTTACTCATTCTGTGGTTTACTTGGCTGTCCAAACTGAACT[T>G]TAGAACCTCACTATTAATAGACTTTTCTGGACCCAGTCGTACTAAATTTATATCTCCACA-3'
Protein context (NP_055861.3, residues 2048-2068): PEKSINSEVL[Lys2058Gln]FSLDSQVNHR

ClinVar aggregate classification (germline): Uncertain significance. Review status: criteria provided, multiple submitters, no conflicts (2 of 4 stars). 5 submissions from 4 submitters: Uncertain significance (5). Last evaluated 2025-04-30.

Conditions:
Inborn genetic diseases. Identifiers: MedGen C0950123, MeSH D030342.
Amyotrophic lateral sclerosis type 4 (ALS4). Also called: AMYOTROPHIC LATERAL SCLEROSIS 4, JUVENILE; NEURONOPATHY, DISTAL HEREDITARY MOTOR, WITH PYRAMIDAL FEATURES. Identifiers: Orphanet 357043, MedGen C1865409, MONDO:0011223, OMIM 602433.
Spinocerebellar ataxia, autosomal recessive, with axonal neuropathy 2 (SCAN2). Also called: Ataxia with Oculomotor Apraxia; Ataxia with Oculomotor Apraxia Type 2; ATAXIA-OCULOMOTOR APRAXIA 2; Ataxia-ocular apraxia-2. Identifiers: Orphanet 64753, MedGen C1853761, MONDO:0018996, OMIM 606002.

Allele frequency attached by ClinVar (database versions not stated): TOPMed below 0.00001; ExAC 0.00001; gnomAD exomes 0.00001 and 0.00005.
gnomAD v4.1: 77 of 1,613,880 alleles (0.0048%); highest among the groups gnomAD compares: Non-Finnish European, 0.0064%; no homozygotes.

Submissions (5):

GeneDx
Classification: Uncertain significance. Last evaluated: 2025-04-30. Review status: criteria provided, single submitter. Criteria: GeneDx Variant Classification Process June 2021. Collection method: clinical testing. Allele origin: germline. Affected: yes.
Comment: Not observed at significant frequency in large population cohorts (gnomAD); In silico analysis indicates that this missense variant does not alter protein structure/function; Observed in a patient with familial amyotrophic lateral sclerosis (PMID: 29170628); This variant is associated with the following publications: (PMID: 29170628)

Genome-Nilou Lab
Classification: Uncertain significance for Spinocerebellar ataxia, autosomal recessive, with axonal neuropathy 2. Last evaluated: 2023-02-08. Review status: criteria provided, single submitter. Criteria: ACMG Guidelines, 2015. Collection method: clinical testing. Allele origin: germline.

Genome-Nilou Lab
Classification: Uncertain significance for Amyotrophic lateral sclerosis type 4. Last evaluated: 2023-02-08. Review status: criteria provided, single submitter. Criteria: ACMG Guidelines, 2015. Collection method: clinical testing. Allele origin: germline.

Ambry Genetics
Classification: Uncertain significance for Inborn genetic diseases. Last evaluated: 2021-08-19. Review status: criteria provided, single submitter. Criteria: Ambry Variant Classification Scheme 2023. Collection method: clinical testing. Allele origin: germline.
Comment: The p.K2058Q variant (also known as c.6172A>C), located in coding exon 14 of the SETX gene, results from an A to C substitution at nucleotide position 6172. The lysine at codon 2058 is replaced by glutamine, an amino acid with similar properties. Among a cohort of 103 patients with amyotrophic lateral sclerosis (ALS), this alteration was reported in one patient with familial ALS (Cooper-Knock J et al. Front Mol Neurosci, 2017 Nov;10:370). This amino acid position is not well conserved in available vertebrate species. In addition, this alteration is predicted to be tolerated by in silico analysis. Since supporting evidence is limited at this time, the clinical significance of this alteration remains unclear.

Athena Diagnostics
Classification: Uncertain significance. Last evaluated: 2017-11-21. Review status: criteria provided, single submitter. Criteria: Athena Diagnostics Criteria. Collection method: clinical testing. Allele origin: germline.

Literature cited by the submitters: PubMed 29170628 (cited by Ambry Genetics).